The following is an entry in ClinVar:

ClinVar aggregate classification (germline): Benign (1 of 4 stars; one submission).

Allele frequency attached by ClinVar (database versions not stated): 1000 Genomes Project 0.90615; 1000 Genomes Project 30x 0.90834; ExAC 0.91071; gnomAD exomes 0.91421; TOPMed 0.91436; gnomAD 0.91963.
gnomAD v4.1: 436,820 of 476,988 alleles (92%); highest among the groups gnomAD compares: African/African-American, 93%; 200,145 homozygotes.

Submission:

Unidad de Genómica Garrahan, Hospital de Pediatría Garrahan
Classification: Benign. Last evaluated: 2024-07-15. Review status: criteria provided, single submitter. Criteria: ACMG Guidelines, 2015. Collection method: clinical testing. Allele origin: germline. Affected: no. Observed: 92 variant alleles.
Comment: This variant is classified as Benign based on local population frequency. This variant was detected in 99% of patients studied in a panel designed for Epileptic and Developmental Encephalopathy and Progressive Myoclonus Epilepsy. Number of patients: 92. Only high quality variants are reported.

NM_000091.5(COL4A3):c.3337+385T>C

Genes: COL4A3 (collagen type IV alpha 3 chain; plus strand), MFF-DT (MFF divergent transcript; minus strand). Cytogenetic location: 2q36.3.
Variant type: single nucleotide variant.
Coding change: c.3337+385T>C on transcript NM_000091.5 (MANE Select); 385 bases into the intron after coding-DNA position 3337, T replaced by C.
Molecular consequence: intron variant.
Genome position (GRCh38, 1-based): chr2:227,293,702, T>C. VCF-style: chr2-227293702-T-C. GRCh37 (hg19) VCF-style: chr2-228158418-T-C.
Identifiers: ClinVar variation 3255274 (VCV003255274.2), dbSNP rs7569636.